The following is an entry in ClinVar:

ClinVar aggregate classification (germline): Uncertain significance (1 of 4 stars; one submission).

Allele frequency attached by ClinVar (database versions not stated): gnomAD 0.00001; TOPMed 0.00001; ExAC 0.00002; gnomAD exomes 0.00002.
gnomAD v4.1: 29 of 1,613,804 alleles (0.0018%); highest among the groups gnomAD compares: Non-Finnish European, 0.0024%; no homozygotes.

Submission:

Labcorp Genetics (formerly Invitae), Labcorp
Classification: Uncertain significance. Last evaluated: 2026-01-12. Review status: criteria provided, single submitter. Criteria: Invitae Variant Classification Sherloc (09022015). Collection method: clinical testing. Allele origin: germline.
Comment: This sequence change replaces proline, which is neutral and non-polar, with leucine, which is neutral and non-polar, at codon 85 of the SLC9A1 protein (p.Pro85Leu). This variant is present in population databases (rs758858110, gnomAD 0.004%). This variant has not been reported in the literature in individuals affected with SLC9A1-related conditions. ClinVar contains an entry for this variant (Variation ID: 2186892). An algorithm developed to predict the effect of missense changes on protein structure and function outputs the following: PolyPhen-2: "Benign". The leucine amino acid residue is found in multiple mammalian species, which suggests that this missense change does not adversely affect protein function. In summary, the available evidence is currently insufficient to determine the role of this variant in disease. Therefore, it has been classified as a Variant of Uncertain Significance.

NM_003047.5(SLC9A1):c.254C>T (p.Pro85Leu)

Gene: SLC9A1 (solute carrier family 9 member A1; minus strand). Cytogenetic location: 1p36.11.
Variant type: single nucleotide variant.
Coding change: c.254C>T on transcript NM_003047.5 (MANE Select); coding-DNA position 254, C replaced by T.
Protein change: p.Pro85Leu; replaces proline 85 with leucine.
Molecular consequence: missense variant. On other transcripts: non-coding transcript variant (1).
Genome position (GRCh38, 1-based): chr1:27,154,081, G>A on the plus strand (C>T on the coding strand, the complement: SLC9A1 is on the minus strand). VCF-style: chr1-27154081-G-A. GRCh37 (hg19) VCF-style: chr1-27480572-G-A.
Other names: short protein forms P85L.
Identifiers: ClinVar variation 2186892 (VCV002186892.2), dbSNP rs758858110, ClinGen allele CA711379.
Genomic context (GRCh38, chr1:27,154,081, plus strand): 5'-ATCTCGAAGGGGGTGCGCACGTGTGTGTAGTCGATGCCCAGGACTGGAAAGGCCTTGCGC[G>A]GCTTCATGCCATGATCAGTGACGGAATGATTAACAGGGCGGCTCTCTGGGGTGACCTCCG-3'
Protein context (NP_003038.2, residues 75-95): NHSVTDHGMK[Pro85Leu]RKAFPVLGID